The following is an entry in ClinVar:

NM_001128636.4(ELFN1):c.204C>G (p.Asn68Lys)

Gene: ELFN1 (extracellular leucine rich repeat and fibronectin type III domain containing 1; plus strand). Cytogenetic location: 7p22.3.
Variant type: single nucleotide variant.
Coding change: c.204C>G on transcript NM_001128636.4 (MANE Select); coding-DNA position 204, C replaced by G.
Protein change: p.Asn68Lys; replaces asparagine 68 with lysine.
Molecular consequence: missense variant.
Genome position (GRCh38, 1-based): chr7:1,744,800, C>G. VCF-style: chr7-1744800-C-G. GRCh37 (hg19) VCF-style: chr7-1784436-C-G.
Other names: c.204C>G, p.Asn68Lys (NM_001394187.1, NM_001394188.1); short protein forms N68K.
Identifiers: ClinVar variation 2097060 (VCV002097060.4), dbSNP rs777457873, ClinGen allele CA366573065.

ClinVar aggregate classification (germline): Uncertain significance (1 of 4 stars; one submission).

Submission:

Labcorp Genetics (formerly Invitae), Labcorp
Classification: Uncertain significance. Last evaluated: 2022-02-17. Review status: criteria provided, single submitter. Criteria: Invitae Variant Classification Sherloc (09022015). Collection method: clinical testing. Allele origin: germline.
Comment: In summary, the available evidence is currently insufficient to determine the role of this variant in disease. Therefore, it has been classified as a Variant of Uncertain Significance. Algorithms developed to predict the effect of missense changes on protein structure and function are either unavailable or do not agree on the potential impact of this missense change (SIFT: "Not Available"; PolyPhen-2: "Probably Damaging"; Align-GVGD: "Not Available"). This variant has not been reported in the literature in individuals affected with ELFN1-related conditions. This variant is not present in population databases (gnomAD no frequency). This sequence change replaces asparagine, which is neutral and polar, with lysine, which is basic and polar, at codon 68 of the ELFN1 protein (p.Asn68Lys).